The following is an entry in ClinVar:

ClinVar aggregate classification (germline): Uncertain significance. Review status: criteria provided, multiple submitters, no conflicts (2 of 4 stars). 2 submissions from 2 submitters: Uncertain significance (2). Last evaluated 2024-01-17.

Conditions:
Hereditary cancer-predisposing syndrome. Also called: Neoplastic Syndromes, Hereditary; Hereditary neoplastic syndrome; Hereditary Cancer Syndrome; Tumor predisposition. Identifiers: Orphanet 140162, MedGen C0027672, MeSH D009386, MONDO:0015356.
Juvenile polyposis syndrome (JPS). Identifiers: Orphanet 2929, MedGen C0345893, MONDO:0017380, OMIM 174900.

Allele frequency attached by ClinVar (database versions not stated): gnomAD exomes below 0.00001; gnomAD 0.00001.
gnomAD v4.1: 2 of 1,613,844 alleles (0.00012%); highest among the groups gnomAD compares: Non-Finnish European, 0.00017%; no homozygotes.

Submissions (2):

Ambry Genetics
Classification: Uncertain significance for Hereditary cancer-predisposing syndrome. Last evaluated: 2024-01-17. Review status: criteria provided, single submitter. Criteria: Ambry Variant Classification Scheme 2023. Collection method: clinical testing. Allele origin: germline.
Comment: The p.K297E variant (also known as c.889A>G), located in coding exon 8 of the BMPR1A gene, results from an A to G substitution at nucleotide position 889. The lysine at codon 297 is replaced by glutamic acid, an amino acid with similar properties. This amino acid position is well conserved in available vertebrate species. In addition, the in silico prediction for this alteration is inconclusive. Since supporting evidence is limited at this time, the clinical significance of this alteration remains unclear.

Labcorp Genetics (formerly Invitae), Labcorp
Classification: Uncertain significance for Juvenile polyposis syndrome. Last evaluated: 2018-08-07. Review status: criteria provided, single submitter. Criteria: Invitae Variant Classification Sherloc (09022015). Collection method: clinical testing. Allele origin: germline.
Comment: This sequence change replaces lysine with glutamic acid at codon 297 of the BMPR1A protein (p.Lys297Glu). The lysine residue is highly conserved and there is a small physicochemical difference between lysine and glutamic acid. This variant is not present in population databases (ExAC no frequency). This variant has not been reported in the literature in individuals with BMPR1A-related disease. Algorithms developed to predict the effect of missense changes on protein structure and function (SIFT, PolyPhen-2, Align-GVGD) all suggest that this variant is likely to be tolerated, but these predictions have not been confirmed by published functional studies and their clinical significance is uncertain. In summary, the available evidence is currently insufficient to determine the role of this variant in disease. Therefore, it has been classified as a Variant of Uncertain Significance.

NM_004329.3(BMPR1A):c.889A>G (p.Lys297Glu)

Gene: BMPR1A (bone morphogenetic protein receptor type 1A; plus strand). Cytogenetic location: 10q23.2.
Variant type: single nucleotide variant.
Coding change: c.889A>G on transcript NM_004329.3 (MANE Select); coding-DNA position 889, A replaced by G.
Protein change: p.Lys297Glu; replaces lysine 297 with glutamic acid.
Molecular consequence: missense variant.
Genome position (GRCh38, 1-based): chr10:86,919,192, A>G. VCF-style: chr10-86919192-A-G. GRCh37 (hg19) VCF-style: chr10-88678949-A-G.
Other names: short protein forms K297E.
Identifiers: ClinVar variation 653579 (VCV000653579.12), dbSNP rs1589291527, ClinGen allele CA377459848.
Genomic context (GRCh38, chr10:86,919,192, plus strand): 5'-TCTGATGATAACTAACCTTTTAAACTCATCAACTGGACAGGTTTCATAGCGGCAGACATT[A>G]AAGGTACAGGTTCCTGGACTCAGCTCTATTTGATTACTGATTACCATGAAAATGGATCTC-3'
Protein context (NP_004320.2, residues 287-307): NILGFIAADI[Lys297Glu]GTGSWTQLYL